The following is an entry in ClinVar:

NM_003072.5(SMARCA4):c.4188G>A (p.Thr1396=)

Gene: SMARCA4 (SWI/SNF related BAF chromatin remodeling complex subunit ATPase 4; plus strand). Cytogenetic location: 19p13.2.
Variant type: single nucleotide variant.
Coding change: c.4188G>A on transcript NM_003072.5 (MANE Select); coding-DNA position 4188, G replaced by A.
Protein change: p.Thr1396=; no amino-acid change (threonine 1396 retained).
Molecular consequence: synonymous variant. On other transcripts: non-coding transcript variant (1).
Genome position (GRCh38, 1-based): chr19:11,041,324, G>A. VCF-style: chr19-11041324-G-A. GRCh37 (hg19) VCF-style: chr19-11152000-G-A.
Other names: c.4188G>A, p.Thr1396= (NM_001128844.3); c.4098G>A, p.Thr1366= (NM_001128845.2, NM_001128846.2); c.4089G>A, p.Thr1363= (NM_001128847.4, NM_001128848.2, NM_001374457.1); c.4284G>A, p.Thr1428= (NM_001128849.3, NM_001387283.1).
Identifiers: ClinVar variation 484878 (VCV000484878.17), dbSNP rs199847974, ClinGen allele CA305294291.

ClinVar aggregate classification (germline): Benign/Likely benign. Review status: criteria provided, multiple submitters, no conflicts (2 of 4 stars). 3 submissions from 3 submitters: Benign (1); Likely benign (2). Last evaluated 2026-07-16.

Conditions:
Hereditary cancer-predisposing syndrome. Also called: Tumor predisposition; Neoplastic Syndromes, Hereditary; Hereditary Cancer Syndrome; Hereditary neoplastic syndrome. Identifiers: Orphanet 140162, MedGen C0027672, MeSH D009386, MONDO:0015356.
Rhabdoid tumor predisposition syndrome 2 (RTPS2). Identifiers: Orphanet 231108, Orphanet 69077, MedGen C2750074, MONDO:0013224, OMIM 613325.

Allele frequency attached by ClinVar (database versions not stated): gnomAD 0.00001; gnomAD exomes 0.00001; TOPMed 0.00001.

Submissions (3):

Myriad Genetics, Inc.
Classification: Benign for Rhabdoid tumor predisposition syndrome 2. Last evaluated: 2026-07-16. Review status: criteria provided, single submitter. Criteria: Myriad Autosomal Dominant, Autosomal Recessive and X-Linked Classification Criteria (2023). Collection method: clinical testing. Allele origin: unknown.
Comment: This variant is considered benign. This variant is a silent/synonymous amino acid change and it is not expected to impact splicing.

Labcorp Genetics (formerly Invitae), Labcorp
Classification: Likely benign for Rhabdoid tumor predisposition syndrome 2. Last evaluated: 2025-03-09. Review status: criteria provided, single submitter. Criteria: Invitae Variant Classification Sherloc (09022015). Collection method: clinical testing. Allele origin: germline.

Ambry Genetics
Classification: Likely benign for Hereditary cancer-predisposing syndrome. Last evaluated: 2016-01-26. Review status: criteria provided, single submitter. Criteria: Ambry Variant Classification Scheme 2023. Collection method: clinical testing. Allele origin: germline.